The following is an entry in ClinVar:

NM_000093.5(COL5A1):c.259A>C (p.Thr87Pro)

Gene: COL5A1 (collagen type V alpha 1 chain; plus strand). Cytogenetic location: 9q34.3.
Variant type: single nucleotide variant.
Coding change: c.259A>C on transcript NM_000093.5 (MANE Select); coding-DNA position 259, A replaced by C.
Protein change: p.Thr87Pro; replaces threonine 87 with proline.
Molecular consequence: missense variant.
Genome position (GRCh38, 1-based): chr9:134,691,061, A>C. VCF-style: chr9-134691061-A-C. GRCh37 (hg19) VCF-style: chr9-137582907-A-C.
Other names: c.259A>C, p.Thr87Pro (NM_001278074.1); short protein forms T87P.
Identifiers: ClinVar variation 4801878 (VCV004801878.1).

ClinVar aggregate classification (germline): Uncertain significance (1 of 4 stars; one submission).

Conditions:
Ehlers-Danlos syndrome, classic type, 1 (EDSCL1). Also called: EHLERS-DANLOS SYNDROME, GRAVIS TYPE; EHLERS-DANLOS SYNDROME, SEVERE CLASSIC TYPE; Ehlers-Danlos syndrome, type 1; Ehlers-Danlos Syndrome, Classic Type, COL5A1-Related; EDS I. Identifiers: MedGen C0268335, MONDO:0019567, OMIM 130000.

Submission:

Labcorp Genetics (formerly Invitae), Labcorp
Classification: Uncertain significance for Ehlers-Danlos syndrome, classic type, 1. Last evaluated: 2025-10-01. Review status: criteria provided, single submitter. Criteria: Invitae Variant Classification Sherloc (09022015). Collection method: clinical testing. Allele origin: germline.
Comment: This sequence change replaces threonine, which is neutral and polar, with proline, which is neutral and non-polar, at codon 87 of the COL5A1 protein (p.Thr87Pro). This variant is not present in population databases (gnomAD no frequency). This variant has not been reported in the literature in individuals affected with COL5A1-related conditions. Invitae Evidence Modeling of protein sequence and biophysical properties (such as structural, functional, and spatial information, amino acid conservation, physicochemical variation, residue mobility, and thermodynamic stability) indicates that this missense variant is not expected to disrupt COL5A1 protein function with a negative predictive value of 95%. In summary, the available evidence is currently insufficient to determine the role of this variant in disease. Therefore, it has been classified as a Variant of Uncertain Significance.